The following is an entry in ClinVar:

NM_183381.3(RNF13):c.44T>A (p.Val15Asp)

Gene: RNF13 (ring finger protein 13; plus strand). Cytogenetic location: 3q25.1.
Variant type: single nucleotide variant.
Coding change: c.44T>A on transcript NM_183381.3 (MANE Select); coding-DNA position 44, T replaced by A.
Protein change: p.Val15Asp; replaces valine 15 with aspartic acid.
Molecular consequence: missense variant. On other transcripts: 5 prime UTR variant (4), non-coding transcript variant (1), intron variant (2).
Genome position (GRCh38, 1-based): chr3:149,846,070, T>A. VCF-style: chr3-149846070-T-A. GRCh37 (hg19) VCF-style: chr3-149563857-T-A.
Other names: c.44T>A, p.Val15Asp (NM_001378285.1, NM_001378286.1, NM_007282.4); c.-324T>A (NM_001378287.1, NM_001378288.1, NM_001378289.1 and 1 more transcripts); c.-253-6446T>A (NM_183383.2); c.-279-6446T>A (NM_001378291.1); short protein forms V15D.
Identifiers: ClinVar variation 1995831 (VCV001995831.4), dbSNP rs2473178274, ClinGen allele CA355011566.

ClinVar aggregate classification (germline): Uncertain significance (1 of 4 stars; one submission).

Allele frequency attached by ClinVar (database versions not stated): gnomAD exomes below 0.00001.
gnomAD v4.1: 1 of 1,612,718 alleles (0.000062%); highest among the groups gnomAD compares: Middle Eastern, 0.02%; no homozygotes.

Submission:

Labcorp Genetics (formerly Invitae), Labcorp
Classification: Uncertain significance. Last evaluated: 2025-09-27. Review status: criteria provided, single submitter. Criteria: Invitae Variant Classification Sherloc (09022015). Collection method: clinical testing. Allele origin: germline.
Comment: This sequence change replaces valine, which is neutral and non-polar, with aspartic acid, which is acidic and polar, at codon 15 of the RNF13 protein (p.Val15Asp). This variant is not present in population databases (gnomAD no frequency). This variant has not been reported in the literature in individuals affected with RNF13-related conditions. ClinVar contains an entry for this variant (Variation ID: 1995831). An algorithm developed to predict the effect of missense changes on protein structure and function (PolyPhen-2) suggests that this variant is likely to be tolerated. In summary, the available evidence is currently insufficient to determine the role of this variant in disease. Therefore, it has been classified as a Variant of Uncertain Significance.